The following is an entry in ClinVar:

ClinVar aggregate classification (germline): Uncertain significance (1 of 4 stars; one submission).

Conditions:
Hereditary spastic paraplegia 44. Also called: SPASTIC PARAPLEGIA 44, AUTOSOMAL RECESSIVE. Identifiers: Orphanet 320401, MedGen C2750784, MONDO:0013179, OMIM 613206.
Leukodystrophy, hypomyelinating, 2. Also called: PELIZAEUS-MERZBACHER-LIKE DISEASE, 1. Identifiers: Orphanet 280270, Orphanet 280282, MedGen C1837355, MONDO:0012125, OMIM 608804.

Submission:

Kariminejad - Najmabadi Pathology & Genetics Center
Classification: Uncertain significance for Hereditary spastic paraplegia 44; Leukodystrophy, hypomyelinating, 2. Last evaluated: 2022-05-31. Review status: criteria provided, single submitter. Criteria: ACMG Guidelines, 2015. Collection method: clinical testing. Allele origin: germline. Inheritance: Autosomal recessive inheritance. Affected: yes.
Comment: PM2, PP3

NM_020435.4(GJC2):c.14G>T (p.Ser5Ile)

Gene: GJC2 (gap junction protein gamma 2; plus strand). Cytogenetic location: 1q42.13.
Variant type: single nucleotide variant.
Coding change: c.14G>T on transcript NM_020435.4 (MANE Select); coding-DNA position 14, G replaced by T.
Protein change: p.Ser5Ile; replaces serine 5 with isoleucine.
Molecular consequence: missense variant.
Genome position (GRCh38, 1-based): chr1:228,157,772, G>T. VCF-style: chr1-228157772-G-T. GRCh37 (hg19) VCF-style: chr1-228345473-G-T.
Other names: short protein forms S5I.
Identifiers: ClinVar variation 3896878 (VCV003896878.1).
Genomic context (GRCh38, chr1:228,157,772, plus strand): 5'-CCTGGCTGACCCCTACCCCGCCCCACAGGACCCGCCCGCCCGCCCCTATGACCAACATGA[G>T]CTGGAGCTTCCTGACGCGGCTGCTGGAGGAGATCCACAACCACTCCACCTTCGTGGGCAA-3'
Protein context (NP_065168.2, residues 1-15): MTNM[Ser5Ile]WSFLTRLLEE